The following is an entry in ClinVar:

ClinVar aggregate classification (germline): Likely benign. Review status: criteria provided, multiple submitters, no conflicts (2 of 4 stars). 3 submissions from 3 submitters: Likely benign (3). Last evaluated 2026-01-06.

Conditions:
DST-related disorder. Also called: DST-related condition; DST-related disorders.
Epidermolysis bullosa simplex 3, localized or generalized intermediate, with BP230 deficiency (EBS3). Also called: Epidermolysis bullosa simplex, autosomal recessive 2; Epidermolysis bullosa simplex due to BP230 deficiency. Identifiers: Orphanet 412181, MedGen C3809470, MONDO:0014180, OMIM 615425.
Hereditary sensory and autonomic neuropathy type 6. Also called: Neuropathy, hereditary sensory and autonomic, type VI; HSAN VI. Identifiers: Orphanet 314381, MedGen C3539003, MONDO:0013839, OMIM 614653.

Allele frequency attached by ClinVar (database versions not stated): gnomAD exomes 0.00028 and 0.00031; ExAC 0.00034; gnomAD 0.00062 and 0.00066; TOPMed 0.00065; ESP Exome Variant Server 0.00083.
gnomAD v4.1: 540 of 1,613,992 alleles (0.033%); highest among the groups gnomAD compares: African/African-American, 0.15%; no homozygotes.

Submissions (3):

Labcorp Genetics (formerly Invitae), Labcorp
Classification: Likely benign for Epidermolysis bullosa simplex 3, localized or generalized intermediate, with BP230 deficiency; Hereditary sensory and autonomic neuropathy type 6. Last evaluated: 2026-01-06. Review status: criteria provided, single submitter. Criteria: Invitae Variant Classification Sherloc (09022015). Collection method: clinical testing. Allele origin: germline.

PreventionGenetics, part of Exact Sciences
Classification: Likely benign for DST-related condition. Last evaluated: 2025-08-18. Review status: criteria provided, single submitter. Criteria: ACMG Guidelines, 2015. Collection method: clinical testing. Allele origin: germline.
Comment: This variant is classified as likely benign based on ACMG/AMP sequence variant interpretation guidelines (Richards et al. 2015 PMID: 25741868, with internal and published modifications).

Mayo Clinic Laboratories, Mayo Clinic
Classification: Likely benign. Last evaluated: 2025-05-12. Review status: criteria provided, single submitter. Criteria: ACMG Guidelines, 2015. Collection method: clinical testing. Allele origin: germline. Observed: 1 variant allele.
Comment: BS1, BP4, BP7

NM_001374736.1(DST):c.23094G>A (p.Lys7698=)

Gene: DST (dystonin; minus strand). Cytogenetic location: 6p12.1.
Variant type: single nucleotide variant.
Coding change: c.23094G>A on transcript NM_001374736.1 (MANE Select); coding-DNA position 23094, G replaced by A.
Protein change: p.Lys7698=; no amino-acid change (lysine 7698 retained).
Molecular consequence: synonymous variant.
Genome position (GRCh38, 1-based): chr6:56,460,231, C>T on the plus strand (G>A on the coding strand, the complement: DST is on the minus strand). VCF-style: chr6-56460231-C-T. GRCh37 (hg19) VCF-style: chr6-56325029-C-T.
Other names: p.Lys5051=; c.16665G>A (NM_001144769.2); c.16665G>A, p.Lys5555= (NM_001144769.5); c.16251G>A, p.Lys5417= (NM_001144770.2); c.23022G>A, p.Lys7674= (NM_001374722.1); c.22023G>A, p.Lys7341= (NM_001374729.1); c.15765G>A, p.Lys5255= (NM_001374730.1); c.23049G>A, p.Lys7683= (NM_001374734.1); and 3 more.
Identifiers: ClinVar variation 1099717 (VCV001099717.11), dbSNP rs377080714, ClinGen allele CA3866033.